The following is an entry in ClinVar:

NM_014915.3(ANKRD26):c.4121T>C (p.Leu1374Ser)

Gene: ANKRD26 (ankyrin repeat domain containing 26; minus strand). Cytogenetic location: 10p12.1.
Variant type: single nucleotide variant.
Coding change: c.4121T>C on transcript NM_014915.3 (MANE Select); coding-DNA position 4121, T replaced by C.
Protein change: p.Leu1374Ser; replaces leucine 1374 with serine.
Molecular consequence: missense variant.
Genome position (GRCh38, 1-based): chr10:27,022,652, A>G on the plus strand (T>C on the coding strand, the complement: ANKRD26 is on the minus strand). VCF-style: chr10-27022652-A-G. GRCh37 (hg19) VCF-style: chr10-27311581-A-G.
Other names: c.4118T>C, p.Leu1373Ser (NM_001256053.2); short protein forms L1373S, L1374S.
Identifiers: ClinVar variation 1338119 (VCV001338119.7), dbSNP rs377522793, ClinGen allele CA204439241.
Genomic context (GRCh38, chr10:27,022,652, plus strand): 5'-TCAAATTGACTAGTTTTTAAATCTCCATGGAAACTAAATTCTCCATTTTCATATTCATTT[A>G]ACTTCTTTCTTGTCATTTTTAAGAGGTTCTTAAATCTGCAGGAAGGTACAAAATGAGTAA-3'
Protein context (NP_055730.2, residues 1364-1384): KNLLKMTRKK[Leu1374Ser]NEYENGEFSF

ClinVar aggregate classification (germline): Uncertain significance. Review status: criteria provided, multiple submitters, no conflicts (2 of 4 stars). 3 submissions from 3 submitters: Uncertain significance (3). Last evaluated 2024-11-22.

Conditions:
Inborn genetic diseases. Identifiers: MedGen C0950123, MeSH D030342.

Allele frequency attached by ClinVar (database versions not stated): TOPMed below 0.00001; gnomAD 0.00001; gnomAD exomes 0.00002; ESP Exome Variant Server 0.00009.
gnomAD v4.1: 31 of 1,584,620 alleles (0.002%); highest among the groups gnomAD compares: Non-Finnish European, 0.0024%; no homozygotes.

Submissions (3):

Ambry Genetics
Classification: Uncertain significance for Inborn genetic diseases. Last evaluated: 2024-11-22. Review status: criteria provided, single submitter. Criteria: Ambry Variant Classification Scheme 2023. Collection method: clinical testing. Allele origin: germline.
Comment: The p.L1374S variant (also known as c.4121T>C), located in coding exon 29 of the ANKRD26 gene, results from a T to C substitution at nucleotide position 4121. The leucine at codon 1374 is replaced by serine, an amino acid with dissimilar properties. This amino acid position is conserved. In addition, the in silico prediction for this alteration is inconclusive. Based on the available evidence, the clinical significance of this variant remains unclear.

GeneDx
Classification: Uncertain significance. Last evaluated: 2023-11-30. Review status: criteria provided, single submitter. Criteria: GeneDx Variant Classification Process June 2021. Collection method: clinical testing. Allele origin: germline. Affected: yes.
Comment: Not observed at significant frequency in large population cohorts (gnomAD); In silico analysis supports that this missense variant has a deleterious effect on protein structure/function; Has not been previously published as pathogenic or benign to our knowledge

Genetic Services Laboratory, University of Chicago
Classification: Uncertain significance. Last evaluated: 2021-10-18. Review status: criteria provided, single submitter. Criteria: ACMG Guidelines, 2015. Collection method: clinical testing. Allele origin: germline. Affected: no.
Comment: DNA sequence analysis of the ANKRD26 gene demonstrated a sequence change, c.4121T>C, in exon 29 that results in an amino acid change, p.Leu1374Ser. This sequence change has been described in the gnomAD database in one individual which corresponds to a population frequency of 0.0032% (dbSNP rs377522793). The p.Leu1374Ser change affects a moderately conserved amino acid residue located in a domain of the ANKRD26 protein that is not known to be functional. In-silico pathogenicity prediction tools (SIFT, PolyPhen2, Align GVGD, REVEL) provide contradictory results for the p.Leu1374Ser substitution. This sequence change does not appear to have been previously described in individuals with ANKRD26-related disorders. Due to insufficient evidences and the lack of functional studies, the clinical significance of the p.Leu1374Ser change remains unknown at this time.